The following is an entry in ClinVar:

NM_212482.4(FN1):c.3292G>A (p.Val1098Met)

Gene: FN1 (fibronectin 1; minus strand). Cytogenetic location: 2q35.
Variant type: single nucleotide variant.
Coding change: c.3292G>A on transcript NM_212482.4 (MANE Select); coding-DNA position 3292, G replaced by A.
Protein change: p.Val1098Met; replaces valine 1098 with methionine.
Molecular consequence: missense variant.
Genome position (GRCh38, 1-based): chr2:215,399,313, C>T on the plus strand (G>A on the coding strand, the complement: FN1 is on the minus strand). VCF-style: chr2-215399313-C-T. GRCh37 (hg19) VCF-style: chr2-216264036-C-T.
Other names: c.3292G>A, p.Val1098Met (NM_001306129.2, NM_001306130.2, NM_001306131.2 and 13 more transcripts); short protein forms V1098M.
Identifiers: ClinVar variation 2877015 (VCV002877015.3), dbSNP rs980313430, ClinGen allele CA64867729.
Genomic context (GRCh38, chr2:215,399,313, plus strand): 5'-TTACCTTAAAACCAATTCTTGGAGCAGGCGTCCATGTGATCACAATGGTGGTCTCAGTCA[C>T]CTCGGTGTTGTAAGGTGGAATAGAGCTCCCAGGCTGCACTGTGAGAGAGAATCAATGCAC-3'
Protein context (NP_997647.2, residues 1088-1108): GSSIPPYNTE[Val1098Met]TETTIVITWT

ClinVar aggregate classification (germline): Uncertain significance (1 of 4 stars; one submission).

Allele frequency attached by ClinVar (database versions not stated): TOPMed 0.00002.
gnomAD v4.1: 5 of 1,614,026 alleles (0.00031%); highest among the groups gnomAD compares: Admixed American, 0.0083%; 1 homozygote.

Submission:

Labcorp Genetics (formerly Invitae), Labcorp
Classification: Uncertain significance. Last evaluated: 2022-12-16. Review status: criteria provided, single submitter. Criteria: Invitae Variant Classification Sherloc (09022015). Collection method: clinical testing. Allele origin: germline.
Comment: In summary, the available evidence is currently insufficient to determine the role of this variant in disease. Therefore, it has been classified as a Variant of Uncertain Significance. Advanced modeling of protein sequence and biophysical properties (such as structural, functional, and spatial information, amino acid conservation, physicochemical variation, residue mobility, and thermodynamic stability) performed at Invitae indicates that this missense variant is not expected to disrupt FN1 protein function. This variant has not been reported in the literature in individuals affected with FN1-related conditions. This variant is present in population databases (no rsID available, gnomAD 0.009%). This sequence change replaces valine, which is neutral and non-polar, with methionine, which is neutral and non-polar, at codon 1098 of the FN1 protein (p.Val1098Met).